The following is an entry in ClinVar:

ClinVar aggregate classification (germline): Likely benign (1 of 4 stars; one submission).

Submission:

Women's Health and Genetics/Laboratory Corporation of America, LabCorp
Classification: Likely benign. Last evaluated: 2026-03-24. Review status: criteria provided, single submitter. Criteria: LabCorp Variant Classification Summary - May 2015. Collection method: clinical testing. Allele origin: germline.
Comment: Variant summary: CADM3 c.520+10dupT alters a nucleotide located at a position not widely known to affect splicing. Consensus agreement among computation tools predict no significant impact on normal splicing. However, these predictions have yet to be confirmed by functional studies. The variant allele was found at a frequency of 4.4e-05 in 251336 control chromosomes. This frequency is not significantly higher than estimated for disease-causing variants in CADM3, allowing no conclusion about variant significance. To our knowledge, no occurrence of c.520+10dupT in individuals affected with CADM3-related conditions and no experimental evidence demonstrating its impact on protein function have been reported. No submitters have cited clinical-significance assessments for this variant to ClinVar. Based on the evidence outlined above, the variant was classified as likely benign.

NM_001127173.3(CADM3):c.520+10dup

Gene: CADM3 (cell adhesion molecule 3; plus strand). Cytogenetic location: 1q23.2.
Variant type: Duplication.
Coding change: c.520+10dup on transcript NM_001127173.3 (MANE Select); 10 bases into the intron after coding-DNA position 520, one base duplicated (T; older notation c.520+10dupT).
Molecular consequence: intron variant.
Genome position (GRCh38, 1-based): chr1:159,193,570, T duplicated. VCF-style (leftmost placement, unchanged base first): chr1-159193569-C-CT. GRCh37 (hg19) VCF-style: chr1-159163359-C-CT.
Other names: c.520+10dupT (NM_001346510.2); c.622+10dup (NM_021189.5); c.520+10dup (NM_001346510.2).
Identifiers: ClinVar variation 4847713 (VCV004847713.1).
Genomic context (GRCh38, chr1:159,193,569, plus strand): 5'-AGCAAGCCTGCAGCCCGGCTCACCTGGAGAAAGGGTGACCAAGAACTCCACGGTGAGTAC[C>CT]TCCTGCCTTGGGGTTACAGGAGAAAGTGGTGCTGGAAAGAGAGAGAAGTGCCTGTCTGTG-3'